The following is an entry in ClinVar:

NM_001202439.3(NCR3LG1):c.1137T>A (p.Leu379=)

Gene: NCR3LG1 (natural killer cell cytotoxicity receptor 3 ligand 1; plus strand). Cytogenetic location: 11p15.1.
Variant type: single nucleotide variant.
Coding change: c.1137T>A on transcript NM_001202439.3 (MANE Select); coding-DNA position 1137, T replaced by A.
Protein change: p.Leu379=; no amino-acid change (leucine 379 retained).
Molecular consequence: synonymous variant.
Genome position (GRCh38, 1-based): chr11:17,372,284, T>A. VCF-style: chr11-17372284-T-A. GRCh37 (hg19) VCF-style: chr11-17393831-T-A.
Identifiers: ClinVar variation 4874475 (VCV004874475.2).

ClinVar aggregate classification (germline): Likely benign (1 of 4 stars; one submission).

Submission:

CeGaT Center for Human Genetics Tuebingen
Classification: Likely benign. Last evaluated: 2026-04-01. Review status: criteria provided, single submitter. Criteria: CeGaT Center For Human Genetics Tuebingen Variant Classification Criteria Version 2. Collection method: clinical testing. Allele origin: germline. Affected: yes. Observed: 1 variant allele.
Comment: NCR3LG1: PM2:Supporting, BP4, BP7